The following is an entry in ClinVar:

ClinVar aggregate classification (germline): Uncertain significance. Review status: criteria provided, multiple submitters, no conflicts (2 of 4 stars). 3 submissions from 3 submitters: Uncertain significance (3). Last evaluated 2026-01-07.

Conditions:
Hereditary cancer-predisposing syndrome. Also called: Neoplastic Syndromes, Hereditary; Tumor predisposition; Hereditary Cancer Syndrome; Hereditary neoplastic syndrome. Identifiers: Orphanet 140162, MedGen C0027672, MeSH D009386, MONDO:0015356.

Allele frequency attached by ClinVar (database versions not stated): gnomAD exomes below 0.00001; gnomAD 0.00001.

Submissions (3):

Ambry Genetics
Classification: Uncertain significance for Hereditary cancer-predisposing syndrome. Last evaluated: 2026-01-07. Review status: criteria provided, single submitter. Criteria: Ambry Variant Classification Scheme 2023. Collection method: clinical testing. Allele origin: germline.
Comment: The p.S415G variant (also known as c.1243A>G), located in coding exon 13 of the POLE gene, results from an A to G substitution at nucleotide position 1243. The serine at codon 415 is replaced by glycine, an amino acid with similar properties. This amino acid position is highly conserved in available vertebrate species. In addition, the in silico prediction for this alteration is inconclusive. Based on the available evidence, the clinical significance of this alteration remains unclear.

Labcorp Genetics (formerly Invitae), Labcorp
Classification: Uncertain significance. Last evaluated: 2023-08-01. Review status: criteria provided, single submitter. Criteria: Invitae Variant Classification Sherloc (09022015). Collection method: clinical testing. Allele origin: germline.
Comment: This sequence change replaces serine, which is neutral and polar, with glycine, which is neutral and non-polar, at codon 415 of the POLE protein (p.Ser415Gly). This variant is not present in population databases (gnomAD no frequency). This variant has not been reported in the literature in individuals affected with POLE-related conditions. ClinVar contains an entry for this variant (Variation ID: 818680). Advanced modeling of protein sequence and biophysical properties (such as structural, functional, and spatial information, amino acid conservation, physicochemical variation, residue mobility, and thermodynamic stability) performed at Invitae indicates that this missense variant is expected to disrupt POLE protein function. In summary, the available evidence is currently insufficient to determine the role of this variant in disease. Therefore, it has been classified as a Variant of Uncertain Significance.

Blueprint Genetics
Classification: Uncertain significance. Last evaluated: 2022-08-02. Review status: criteria provided, single submitter. Criteria: ACMG Guidelines, 2015. Collection method: clinical testing. Allele origin: germline.

NM_006231.4(POLE):c.1243A>G (p.Ser415Gly)

Gene: POLE (DNA polymerase epsilon, catalytic subunit; minus strand). Cytogenetic location: 12q24.33.
Variant type: single nucleotide variant.
Coding change: c.1243A>G on transcript NM_006231.4 (MANE Select); coding-DNA position 1243, A replaced by G.
Protein change: p.Ser415Gly; replaces serine 415 with glycine.
Molecular consequence: missense variant.
Genome position (GRCh38, 1-based): chr12:132,673,691, T>C on the plus strand (A>G on the coding strand, the complement: POLE is on the minus strand). VCF-style: chr12-132673691-T-C. GRCh37 (hg19) VCF-style: chr12-133250277-T-C.
Other names: short protein forms S415G.
Identifiers: ClinVar variation 818680 (VCV000818680.15), dbSNP rs1593073453, ClinGen allele CA387359682.